The following is an entry in ClinVar:

ClinVar aggregate classification (germline): Uncertain significance. Review status: criteria provided, multiple submitters, no conflicts (2 of 4 stars). 3 submissions from 3 submitters: Uncertain significance (3). Last evaluated 2025-11-08.

Conditions:
Inborn genetic diseases. Identifiers: MedGen C0950123, MeSH D030342.
Charcot-Marie-Tooth disease axonal type 2N (CMT2N). Also called: Charcot-Marie-Tooth Neuropathy Type 2N; CHARCOT-MARIE-TOOTH DISEASE, AXONAL, AUTOSOMAL DOMINANT, TYPE 2N; CHARCOT-MARIE-TOOTH NEUROPATHY, AXONAL, TYPE 2N. Identifiers: Orphanet 228174, MedGen C2750090, MONDO:0013212, OMIM 613287.
Charcot-Marie-Tooth disease type 2. Also called: Charcot-Marie-Tooth type 2. Identifiers: Orphanet 64746, MedGen C0270914, MONDO:0018993.

Allele frequency attached by ClinVar (database versions not stated): gnomAD exomes 0.00001 and below 0.00001; ExAC 0.00001; TOPMed 0.00002.
gnomAD v4.1: 5 of 1,614,194 alleles (0.00031%); highest among the groups gnomAD compares: Admixed American, 0.0033%; no homozygotes.

Submissions (3):

Ambry Genetics
Classification: Uncertain significance for Inborn genetic diseases. Last evaluated: 2025-11-08. Review status: criteria provided, single submitter. Criteria: Ambry Variant Classification Scheme 2023. Collection method: clinical testing. Allele origin: germline.

Labcorp Genetics (formerly Invitae), Labcorp
Classification: Uncertain significance for Charcot-Marie-Tooth disease type 2. Last evaluated: 2023-12-14. Review status: criteria provided, single submitter. Criteria: Invitae Variant Classification Sherloc (09022015). Collection method: clinical testing. Allele origin: germline.
Comment: This sequence change replaces glutamic acid, which is acidic and polar, with lysine, which is basic and polar, at codon 545 of the AARS protein (p.Glu545Lys). This variant is present in population databases (rs764124393, gnomAD 0.006%). This variant has not been reported in the literature in individuals affected with AARS-related conditions. ClinVar contains an entry for this variant (Variation ID: 884281). Advanced modeling of protein sequence and biophysical properties (such as structural, functional, and spatial information, amino acid conservation, physicochemical variation, residue mobility, and thermodynamic stability) performed at Invitae indicates that this missense variant is not expected to disrupt AARS protein function with a negative predictive value of 95%. In summary, the available evidence is currently insufficient to determine the role of this variant in disease. Therefore, it has been classified as a Variant of Uncertain Significance.

Illumina Laboratory Services, Illumina
Classification: Uncertain significance for Charcot-Marie-Tooth disease axonal type 2N. Last evaluated: 2018-01-13. Review status: criteria provided, single submitter. Criteria: ICSL Variant Classification Criteria 13 December 2019. Collection method: clinical testing. Allele origin: germline.

NM_001605.3(AARS1):c.1633G>A (p.Glu545Lys)

Gene: AARS1 (alanyl-tRNA synthetase 1; minus strand). Cytogenetic location: 16q22.1.
Variant type: single nucleotide variant.
Coding change: c.1633G>A on transcript NM_001605.3 (MANE Select); coding-DNA position 1633, G replaced by A.
Protein change: p.Glu545Lys; replaces glutamic acid 545 with lysine.
Molecular consequence: missense variant.
Genome position (GRCh38, 1-based): chr16:70,262,384, C>T on the plus strand (G>A on the coding strand, the complement: AARS1 is on the minus strand). VCF-style: chr16-70262384-C-T. GRCh37 (hg19) VCF-style: chr16-70296287-C-T.
Other names: short protein forms E545K.
Identifiers: ClinVar variation 884281 (VCV000884281.8), dbSNP rs764124393, ClinGen allele CA8140744.